The following is an entry in ClinVar:

NM_000262.3(NAGA):c.567G>A (p.Trp189Ter)

Genes: NAGA (alpha-N-acetylgalactosaminidase; minus strand), LOC126863160 (CDK7 strongly-dependent group 2 enhancer GRCh37_chr22:42462918-42464117; plus strand). Cytogenetic location: 22q13.2.
Variant type: single nucleotide variant.
Coding change: c.567G>A on transcript NM_000262.3 (MANE Select); coding-DNA position 567, G replaced by A.
Protein change: p.Trp189Ter; replaces tryptophan 189 with a stop codon.
Molecular consequence: nonsense.
Genome position (GRCh38, 1-based): chr22:42,066,740, C>T on the plus strand (G>A on the coding strand, the complement: NAGA is on the minus strand). VCF-style: chr22-42066740-C-T. GRCh37 (hg19) VCF-style: chr22-42462744-C-T.
Other names: c.567G>A, p.Trp189Ter (NM_001362848.1, NM_001362850.1); short protein forms W189*.
Identifiers: ClinVar variation 3588103 (VCV003588103.2).

ClinVar aggregate classification (germline): Pathogenic/Likely pathogenic. Review status: criteria provided, multiple submitters, no conflicts (2 of 4 stars). 2 submissions from 2 submitters: Pathogenic (1); Likely pathogenic (1). Last evaluated 2024-05-25.

Conditions:
Alpha-N-acetylgalactosaminidase deficiency. Identifiers: Orphanet 3137, MedGen C5848084, MONDO:0017779.
Alpha-N-acetylgalactosaminidase deficiency type 2. Also called: ALPHA-N-ACETYLGALACTOSAMINIDASE DEFICIENCY, TYPE II; NAGA DEFICIENCY, TYPE II; SCHINDLER DISEASE, TYPE II. Identifiers: Orphanet 3137, Orphanet 79280, MedGen C1836522, MONDO:0012222, OMIM 609242.
Alpha-N-acetylgalactosaminidase deficiency type 1. Also called: SCHINDLER DISEASE, TYPE I; ALPHA-N-ACETYLGALACTOSAMINIDASE DEFICIENCY, TYPE I; NAGA DEFICIENCY, TYPE I; NEUROAXONAL DYSTROPHY, SCHINDLER TYPE. Identifiers: Orphanet 3137, Orphanet 79279, Orphanet 79281, MedGen C1836544, MONDO:0012221, OMIM 609241.

gnomAD v4.1: 2 of 1,605,262 alleles (0.00012%); highest among the groups gnomAD compares: Admixed American, 0.0017%; no homozygotes.

Submissions (2):

Myriad Genetics, Inc.
Classification: Pathogenic for Alpha-N-acetylgalactosaminidase deficiency. Last evaluated: 2024-05-25. Review status: criteria provided, single submitter. Criteria: Myriad Autosomal Dominant, Autosomal Recessive and X-Linked Classification Criteria (2023). Collection method: clinical testing. Allele origin: unknown.
Comment: NM_000262.2(NAGA):c.567G>A(W189*) is expected to be pathogenic in the context of NAGA-related disorders. This variant is predicted to lead to an abnormal or absent protein product due to the creation of a premature termination codon in NAGA, a gene where loss-of-function variants are known to be pathogenic. Please note: this variant was assessed in the context of healthy population screening.

Fulgent Genetics
Classification: Likely pathogenic for Alpha-N-acetylgalactosaminidase deficiency type 1; Alpha-N-acetylgalactosaminidase deficiency type 2. Last evaluated: 2024-03-14. Review status: criteria provided, single submitter. Criteria: ACMG Guidelines, 2015. Collection method: clinical testing. Allele origin: germline.